The following is an entry in ClinVar:

NM_000057.4(BLM):c.3752-9T>C

Gene: BLM (BLM RecQ like helicase; plus strand). Cytogenetic location: 15q26.1.
Variant type: single nucleotide variant.
Coding change: c.3752-9T>C on transcript NM_000057.4 (MANE Select); 9 bases into the intron before coding-DNA position 3752, T replaced by C.
Molecular consequence: intron variant.
Genome position (GRCh38, 1-based): chr15:90,809,128, T>C. VCF-style: chr15-90809128-T-C. GRCh37 (hg19) VCF-style: chr15-91352358-T-C.
Other names: c.3752-9T>C (NM_000057.3, NM_001287246.2); c.2627-9T>C (NM_001287248.2); c.3359-9T>C (NM_001287247.2).
Identifiers: ClinVar variation 1997601 (VCV001997601.5), dbSNP rs1897346821, ClinGen allele CA2195301399.
Genomic context (GRCh38, chr15:90,809,128, plus strand): 5'-AATGAGCCTGAATTCAGTGGGTTTTCTATGGGTGATAATTTAAATTCCTAATTTTATGCC[T>C]TTGCACAGAATCTTTATCTTCTGATCCTGAGGTTTTGCTTCAAATTGATGGTGTTACTGA-3'

ClinVar aggregate classification (germline): Likely benign. Review status: criteria provided, multiple submitters, no conflicts (2 of 4 stars). 2 submissions from 2 submitters: Likely benign (2). Last evaluated 2026-09-20.

Conditions:
BLM-related disorder. Also called: BLM-related condition.
Bloom syndrome (BLM). Also called: Bloom-Torre-Machacek syndrome. Identifiers: Orphanet 125, MedGen C0005859, MONDO:0008876, OMIM 210900.

Allele frequency attached by ClinVar (database versions not stated): TOPMed below 0.00001.

Submissions (2):

PreventionGenetics, part of Exact Sciences
Classification: Likely benign for BLM-related condition. Last evaluated: 2026-09-20. Review status: criteria provided, single submitter. Criteria: ACMG Guidelines, 2015. Collection method: clinical testing. Allele origin: germline.
Comment: This variant is classified as likely benign based on ACMG/AMP sequence variant interpretation guidelines (Richards et al. 2015 PMID: 25741868, with internal and published modifications).

Labcorp Genetics (formerly Invitae), Labcorp
Classification: Likely benign for Bloom syndrome. Last evaluated: 2023-12-07. Review status: criteria provided, single submitter. Criteria: Invitae Variant Classification Sherloc (09022015). Collection method: clinical testing. Allele origin: germline.